The following is an entry in ClinVar:

ClinVar aggregate classification (germline): Pathogenic. Review status: criteria provided, multiple submitters, no conflicts (2 of 4 stars). 4 submissions from 4 submitters: Pathogenic (4). Last evaluated 2026-08-01.

Conditions:
SPTA1-related disorder. Also called: SPTA1-related disorders; SPTA1-related condition.

Allele frequency attached by ClinVar (database versions not stated): gnomAD exomes below 0.00001; TOPMed below 0.00001; gnomAD 0.00001.
gnomAD v4.1: 2 of 1,613,784 alleles (0.00012%); highest among the groups gnomAD compares: Non-Finnish European, 0.00017%; no homozygotes.

Submissions (4):

CeGaT Center for Human Genetics Tuebingen
Classification: Pathogenic. Last evaluated: 2026-08-01. Review status: criteria provided, single submitter. Criteria: CeGaT Center For Human Genetics Tuebingen Variant Classification Criteria Version 2. Collection method: clinical testing. Allele origin: germline. Affected: yes. Observed: 3 variant alleles.
Comment: SPTA1: PVS1, PM2, PM3

PreventionGenetics, part of Exact Sciences
Classification: Pathogenic for SPTA1-related condition. Last evaluated: 2025-11-07. Review status: criteria provided, single submitter. Criteria: ACMG Guidelines, 2015. Collection method: clinical testing. Allele origin: germline.
Comment: The SPTA1 c.3823C>T variant is predicted to result in premature protein termination (p.Gln1275*). This variant was reported together with a missense variant in a patient with transfusion-dependent anemia (Gallagher et al. 2019. PubMed ID: 31038472). This variant has not been reported in a large population database, indicating this variant is rare. Nonsense variants in SPTA1 are expected to be pathogenic. This variant is interpreted as pathogenic.

Labcorp Genetics (formerly Invitae), Labcorp
Classification: Pathogenic. Last evaluated: 2025-10-12. Review status: criteria provided, single submitter. Criteria: Invitae Variant Classification Sherloc (09022015). Collection method: clinical testing. Allele origin: germline.
Comment: This sequence change creates a premature translational stop signal (p.Gln1275*) in the SPTA1 gene. It is expected to result in an absent or disrupted protein product. Loss-of-function variants in SPTA1 are known to be pathogenic (PMID: 9192783, 18815189, 31333484, 31723846, 32266426). This variant is not present in population databases (gnomAD no frequency). This premature translational stop signal has been observed in individual(s) with SPTA1-related conditions (PMID: 31038472). ClinVar contains an entry for this variant (Variation ID: 2907294). For these reasons, this variant has been classified as Pathogenic.

Blueprint Genetics
Classification: Pathogenic for SPTA1-related disorders. Last evaluated: 2024-05-07. Review status: criteria provided, single submitter. Criteria: ACMG Guidelines, 2015. Collection method: clinical testing. Allele origin: germline. Affected: yes. Observed: 5 variant alleles.

Literature cited by the submitters: PubMed 9192783 (cited by Labcorp Genetics (formerly Invitae), Labcorp); PubMed 18815189 (cited by Labcorp Genetics (formerly Invitae), Labcorp); PubMed 31333484 (cited by Labcorp Genetics (formerly Invitae), Labcorp); PubMed 31723846 (cited by Labcorp Genetics (formerly Invitae), Labcorp); PubMed 32266426 (cited by Labcorp Genetics (formerly Invitae), Labcorp); PubMed 31038472 (cited by Labcorp Genetics (formerly Invitae), Labcorp).

NM_003126.4(SPTA1):c.3823C>T (p.Gln1275Ter)

Gene: SPTA1 (spectrin alpha, erythrocytic 1; minus strand). Cytogenetic location: 1q23.1.
Variant type: single nucleotide variant.
Coding change: c.3823C>T on transcript NM_003126.4 (MANE Select); coding-DNA position 3823, C replaced by T.
Protein change: p.Gln1275Ter; replaces glutamine 1275 with a stop codon.
Molecular consequence: nonsense.
Genome position (GRCh38, 1-based): chr1:158,647,612, G>A on the plus strand (C>T on the coding strand, the complement: SPTA1 is on the minus strand). VCF-style: chr1-158647612-G-A. GRCh37 (hg19) VCF-style: chr1-158617402-G-A.
Other names: short protein forms Q1275*.
Identifiers: ClinVar variation 2907294 (VCV002907294.12), dbSNP rs1652094925, ClinGen allele CA343033957.